The following is an entry in ClinVar:

ClinVar aggregate classification (germline): Benign/Likely benign. Review status: criteria provided, multiple submitters, no conflicts (2 of 4 stars). 2 submissions from 2 submitters: Benign (1); Likely benign (1). Last evaluated 2026-01-05.

Conditions:
Early-infantile DEE. Also called: Early infantile epileptic encephalopathy; Ohtahara syndrome; Early infantile epileptic encephalopathy with suppression bursts. Identifiers: Orphanet 1934, MedGen C0393706, MONDO:0800491.

Allele frequency attached by ClinVar (database versions not stated): gnomAD exomes 0.00002 and 0.00007; TOPMed 0.00007; ESP Exome Variant Server 0.00008; gnomAD 0.00008; ExAC 0.00010; 1000 Genomes Project 30x 0.00016; 1000 Genomes Project 0.00020.
gnomAD v4.1: 45 of 1,612,508 alleles (0.0028%); highest among the groups gnomAD compares: Middle Eastern, 0.033%; no homozygotes.

Submissions (2):

Labcorp Genetics (formerly Invitae), Labcorp
Classification: Likely benign for Early-infantile DEE. Last evaluated: 2026-01-05. Review status: criteria provided, single submitter. Criteria: Invitae Variant Classification Sherloc (09022015). Collection method: clinical testing. Allele origin: germline.

Women's Health and Genetics/Laboratory Corporation of America, LabCorp
Classification: Benign. Last evaluated: 2016-09-06. Review status: criteria provided, single submitter. Criteria: LabCorp Variant Classification Summary - May 2015. Collection method: clinical testing. Allele origin: germline.
Comment: Variant summary: The c.2946+19T>C in SCN1A gene is an intronic change that involves a non-conserved nucleotide. 5/5 programs in Alamut predict that this variant does not affect normal splicing, however no functional studies supporting this notion were published at the time of evaluation. The variant is present in the control population dataset of ExAC at frequency of 0.0001 (12/121406 chrs tested) being most prevalent in individuals of East Asian origin (0.00069; 6/8650). The observed frequencies exceed the maximum expected allele frequency for a pathogenic SCN1A variant, suggesting that it is a benign polymorphism. The variant has not, to our knowledge, been reported in affected individuals via published reports or by a reputable database/diagnostic centers. Taken together and based on the high allele frequency in the general population, this variant has been classified as Benign.

NM_001165963.4(SCN1A):c.2946+19T>C

Gene: SCN1A (sodium voltage-gated channel alpha subunit 1; minus strand). Cytogenetic location: 2q24.3.
Variant type: single nucleotide variant.
Coding change: c.2946+19T>C on transcript NM_001165963.4 (MANE Select); 19 bases into the intron after coding-DNA position 2946, T replaced by C.
Molecular consequence: intron variant.
Genome position (GRCh38, 1-based): chr2:166,037,757, A>G on the plus strand (T>C on the coding strand, the complement: SCN1A is on the minus strand). VCF-style: chr2-166037757-A-G. GRCh37 (hg19) VCF-style: chr2-166894267-A-G.
Other names: c.2913+19T>C (NM_001353949.2, NM_001353950.2, NM_001353951.2 and 2 more transcripts); c.2862+19T>C (NM_001353958.2, NM_001353957.2, NM_001165964.3); c.2946+19T>C (NM_001202435.3, NM_001353948.2); c.2910+19T>C (NM_001353955.2, NM_001353954.2); c.2859+19T>C (NM_001353960.2); c.504+19T>C (NM_001353961.2).
Identifiers: ClinVar variation 496117 (VCV000496117.10), dbSNP rs180873219, ClinGen allele CA1943039.
Genomic context (GRCh38, chr2:166,037,757, plus strand): 5'-AATGTGCAGGTTAGTTACATATGTATACATGTGCCATGCTGGTGTATTTCCAAAATGCAT[A>G]TCTTAAGTGGGTACATACCACTAGGTTTCCAATCACCATGACCATCATGAAGACAGTAAG-3'